The following is an entry in ClinVar:

NM_002294.3(LAMP2):c.*2794T>C

Gene: LAMP2 (lysosome associated membrane protein 2; minus strand). Cytogenetic location: Xq24.
Variant type: single nucleotide variant.
Coding change: c.*2794T>C on transcript NM_002294.3 (MANE Select); 2794 bases downstream of the stop codon, T replaced by C.
Molecular consequence: 3 prime UTR variant. On other transcripts: synonymous variant (1).
Genome position (GRCh38, 1-based): chrX:120,428,529, A>G on the plus strand (T>C on the coding strand, the complement: LAMP2 is on the minus strand). VCF-style: chrX-120428529-A-G. GRCh37 (hg19) VCF-style: chrX-119562384-A-G.
Other names: c.1191T>C, p.Tyr397= (NM_001122606.1).
Identifiers: ClinVar variation 912619 (VCV000912619.33), dbSNP rs368937075, ClinGen allele CA10505151.
Genomic context (GRCh38, chrX:120,428,529, plus strand): 5'-ACTAGATTTAACTGATTACACAGACTGATAACCAGTACGACTTTTCCTTCTTCCAATCAT[A>G]TAAGAGATAAAGACAACAATTATAAGGAAGCCCAAGGCCACACCCACTGCAACAGGAATA-3'

ClinVar aggregate classification (germline): Benign/Likely benign. Review status: criteria provided, multiple submitters, no conflicts (2 of 4 stars). 6 submissions from 6 submitters: Benign (1); Likely benign (4). 1 of the submissions does not count toward it. Last evaluated 2024-11-25.

Conditions:
LAMP2-related disorder. Also called: LAMP2-related condition.
Danon disease. Also called: ANTOPOL DISEASE; PSEUDOGLYCOGENOSIS II; Glycogen Storage Disease Type IIb; GSD IIb; LYSOSOMAL GLYCOGEN STORAGE DISEASE WITHOUT ACID MALTASE DEFICIENCY. Identifiers: Orphanet 34587, MedGen C0878677, MONDO:0010281, OMIM 300257.

Allele frequency attached by ClinVar (database versions not stated): 1000 Genomes Project 30x 0.00062; gnomAD 0.00008 and 0.00011; gnomAD exomes 0.00011 and 0.00014; TOPMed 0.00011; ESP Exome Variant Server 0.00012; ExAC 0.00019; 1000 Genomes Project 0.00053.
gnomAD v4.1: 129 of 1,199,971 alleles (0.011%); highest among the groups gnomAD compares: Middle Eastern, 0.046%; no homozygotes.

Submissions (6):

Blueprint Genetics
Classification: Likely benign. Last evaluated: 2024-11-25. Review status: criteria provided, single submitter. Criteria: ACMG Guidelines, 2015. Collection method: clinical testing. Allele origin: germline.

CeGaT Center for Human Genetics Tuebingen
Classification: Likely benign. Last evaluated: 2024-07-01. Review status: criteria provided, single submitter. Criteria: CeGaT Center For Human Genetics Tuebingen Variant Classification Criteria Version 2. Collection method: clinical testing. Allele origin: germline. Affected: yes. Observed: 3 variant alleles.
Comment: LAMP2: BP4, BP7, BS2

Molecular Diagnostic Laboratory for Inherited Cardiovascular Disease, Montreal Heart Institute
Classification: Likely benign. Last evaluated: 2020-02-29. Review status: criteria provided, single submitter. Criteria: ACMG Guidelines, 2015. Collection method: clinical testing. Allele origin: germline. Affected: yes.

GeneDx
Classification: Likely benign. Last evaluated: 2017-08-08. Review status: criteria provided, single submitter. Criteria: GeneDx Variant Classification Process June 2021. Collection method: clinical testing. Allele origin: germline. Affected: yes.

Illumina Laboratory Services, Illumina
Classification: Benign for Danon disease. Last evaluated: 2017-04-28. Review status: criteria provided, single submitter. Criteria: ICSL Variant Classification Criteria 13 December 2019. Collection method: clinical testing. Allele origin: germline.
Comment: This variant was observed as part of a predisposition screen in an ostensibly healthy population. A literature search was performed for the gene, cDNA change, and amino acid change (where applicable). No publications were found based on this search. Allele frequency data from public databases was too high to be consistent with this variant causing disease. Therefore, this variant is classified as benign.

PreventionGenetics, part of Exact Sciences
Classification: Likely benign for LAMP2-related condition. Last evaluated: 2020-08-24. Review status: no assertion criteria provided. Collection method: clinical testing. Allele origin: germline. Not counted in ClinVar's aggregate classification.
Comment: This variant is classified as likely benign based on ACMG/AMP sequence variant interpretation guidelines (Richards et al. 2015 PMID: 25741868, with internal and published modifications).